The following is an entry in ClinVar:

ClinVar aggregate classification (germline): Uncertain significance (1 of 4 stars; one submission).

Conditions:
Early-infantile DEE. Also called: Early infantile epileptic encephalopathy; Ohtahara syndrome; Early infantile epileptic encephalopathy with suppression bursts. Identifiers: Orphanet 1934, MedGen C0393706, MONDO:0800491.

gnomAD v4.1: 1 of 1,610,388 alleles (0.000062%); highest among the groups gnomAD compares: Non-Finnish European, 0.000085%; no homozygotes.

Submission:

Labcorp Genetics (formerly Invitae), Labcorp
Classification: Uncertain significance for Early-infantile DEE. Last evaluated: 2025-03-30. Review status: criteria provided, single submitter. Criteria: Invitae Variant Classification Sherloc (09022015). Collection method: clinical testing. Allele origin: germline.
Comment: This sequence change replaces serine, which is neutral and polar, with glycine, which is neutral and non-polar, at codon 702 of the SCN8A protein (p.Ser702Gly). This variant is not present in population databases (gnomAD no frequency). This variant has not been reported in the literature in individuals affected with SCN8A-related conditions. Invitae Evidence Modeling of protein sequence and biophysical properties (such as structural, functional, and spatial information, amino acid conservation, physicochemical variation, residue mobility, and thermodynamic stability) indicates that this missense variant is not expected to disrupt SCN8A protein function with a negative predictive value of 95%. In summary, the available evidence is currently insufficient to determine the role of this variant in disease. Therefore, it has been classified as a Variant of Uncertain Significance.

NM_001330260.2(SCN8A):c.2104A>G (p.Ser702Gly)

Gene: SCN8A (sodium voltage-gated channel alpha subunit 8; plus strand). Cytogenetic location: 12q13.13.
Variant type: single nucleotide variant.
Coding change: c.2104A>G on transcript NM_001330260.2 (MANE Select); coding-DNA position 2104, A replaced by G.
Protein change: p.Ser702Gly; replaces serine 702 with glycine.
Molecular consequence: missense variant.
Genome position (GRCh38, 1-based): chr12:51,746,008, A>G. VCF-style: chr12-51746008-A-G. GRCh37 (hg19) VCF-style: chr12-52139792-A-G.
Other names: c.2104A>G, p.Ser702Gly (NM_001369788.1, NM_014191.4, NM_001177984.3); short protein forms S702G.
Identifiers: ClinVar variation 4760113 (VCV004760113.1).
Genomic context (GRCh38, chr12:51,746,008, plus strand): 5'-TTAGTTTCCATGGACCAATTAGCCTCCTACGGGCGGAAGGACAGAATCAACAGTATAATG[A>G]GTGTTGTTACAAATACACTAGTAGAAGGTATGTGCCCTATAATGTCAGTCCAACCGCTGA-3'
Protein context (NP_001317189.1, residues 692-712): GRKDRINSIM[Ser702Gly]VVTNTLVEEL